The following is an entry in ClinVar:

NM_004082.5(DCTN1):c.2338A>G (p.Ile780Val)

Gene: DCTN1 (dynactin subunit 1; minus strand). Cytogenetic location: 2p13.1.
Variant type: single nucleotide variant.
Coding change: c.2338A>G on transcript NM_004082.5 (MANE Select); coding-DNA position 2338, A replaced by G.
Protein change: p.Ile780Val; replaces isoleucine 780 with valine.
Molecular consequence: missense variant. On other transcripts: non-coding transcript variant (1).
Genome position (GRCh38, 1-based): chr2:74,366,911, T>C on the plus strand (A>G on the coding strand, the complement: DCTN1 is on the minus strand). VCF-style: chr2-74366911-T-C. GRCh37 (hg19) VCF-style: chr2-74594038-T-C.
Other names: c.2278A>G, p.Ile760Val (NM_001135040.3); c.1936A>G, p.Ile646Val (NM_001135041.3, NM_023019.4); c.2227A>G, p.Ile743Val (NM_001190836.2); c.2317A>G, p.Ile773Val (NM_001190837.2); c.2287A>G, p.Ile763Val (NM_001378991.1); c.2269A>G, p.Ile757Val (NM_001378992.1); c.2338A>G (NM_004082.4); short protein forms I743V, I773V, I646V, I757V, I760V, I763V, I780V.
Identifiers: ClinVar variation 1442789 (VCV001442789.8), dbSNP rs1558937413, ClinGen allele CA347347874.

ClinVar aggregate classification (germline): Uncertain significance. Review status: criteria provided, multiple submitters, no conflicts (2 of 4 stars). 2 submissions from 2 submitters: Uncertain significance (2). Last evaluated 2024-12-09.

Conditions:
DCTN1-related disorder. Also called: DCTN1-related condition.
Neuronopathy, distal hereditary motor, type 7B. Also called: Distal Hereditary Motor Neuronopathy Type 7B (dHMN7B); HMN VIIB; LOWER MOTOR NEURON DISEASE, DYNACTIN TYPE; NEURONOPATHY, DISTAL HEREDITARY MOTOR, AUTOSOMAL DOMINANT 14; NEURONOPATHY, DISTAL HEREDITARY MOTOR, HARDING TYPE VIIB; NEUROPATHY, DISTAL HEREDITARY MOTOR, HARDING TYPE VIIB. Identifiers: Orphanet 139589, MedGen C1843315, MONDO:0011879, OMIM 607641.
Perry syndrome. Also called: PARKINSONISM WITH ALVEOLAR HYPOVENTILATION AND MENTAL DEPRESSION. Identifiers: Orphanet 178509, MedGen C1868594, MONDO:0008201, OMIM 168605.
Amyotrophic lateral sclerosis type 1 (ALS1). Also called: AMYOTROPHIC LATERAL SCLEROSIS 1, FAMILIAL. Identifiers: Orphanet 803, MedGen C1862939, MONDO:0007103, OMIM 105400.

Allele frequency attached by ClinVar (database versions not stated): gnomAD exomes below 0.00001; TOPMed below 0.00001.
gnomAD v4.1: 5 of 1,614,168 alleles (0.00031%); highest among the groups gnomAD compares: Non-Finnish European, 0.00042%; no homozygotes.

Submissions (2):

PreventionGenetics, part of Exact Sciences
Classification: Uncertain significance for DCTN1-related condition. Last evaluated: 2024-12-09. Review status: criteria provided, single submitter. Criteria: ACMG Guidelines, 2015. Collection method: clinical testing. Allele origin: germline.
Comment: The DCTN1 c.2338A>G variant is predicted to result in the amino acid substitution p.Ile780Val. To our knowledge, this variant has not been reported in the literature. This variant is reported in 0.00088% of alleles in individuals of European (Non-Finnish) descent in gnomAD. At this time, the clinical significance of this variant is uncertain due to the absence of conclusive functional and genetic evidence.

Labcorp Genetics (formerly Invitae), Labcorp
Classification: Uncertain significance for Amyotrophic lateral sclerosis type 1; Neuronopathy, distal hereditary motor, type 7B; Perry syndrome. Last evaluated: 2023-12-01. Review status: criteria provided, single submitter. Criteria: Invitae Variant Classification Sherloc (09022015). Collection method: clinical testing. Allele origin: germline.
Comment: This sequence change replaces isoleucine, which is neutral and non-polar, with valine, which is neutral and non-polar, at codon 780 of the DCTN1 protein (p.Ile780Val). This variant is not present in population databases (gnomAD no frequency). This variant has not been reported in the literature in individuals affected with DCTN1-related conditions. ClinVar contains an entry for this variant (Variation ID: 1442789). Advanced modeling of protein sequence and biophysical properties (such as structural, functional, and spatial information, amino acid conservation, physicochemical variation, residue mobility, and thermodynamic stability) performed at Invitae indicates that this missense variant is not expected to disrupt DCTN1 protein function with a negative predictive value of 80%. In summary, the available evidence is currently insufficient to determine the role of this variant in disease. Therefore, it has been classified as a Variant of Uncertain Significance.